The following is an entry in ClinVar:

ClinVar aggregate classification (germline): Uncertain significance. Review status: criteria provided, multiple submitters, no conflicts (2 of 4 stars). 2 submissions from 2 submitters: Uncertain significance (2). Last evaluated 2024-10-13.

Conditions:
Hereditary cancer-predisposing syndrome. Also called: Tumor predisposition; Hereditary Cancer Syndrome; Neoplastic Syndromes, Hereditary; Hereditary neoplastic syndrome. Identifiers: Orphanet 140162, MedGen C0027672, MeSH D009386, MONDO:0015356.

Submissions (2):

Ambry Genetics
Classification: Uncertain significance for Hereditary cancer-predisposing syndrome. Last evaluated: 2024-10-13. Review status: criteria provided, single submitter. Criteria: Ambry Variant Classification Scheme 2023. Collection method: clinical testing. Allele origin: germline.
Comment: The p.V3020L variant (also known as c.9058G>C), located in coding exon 62 of the ATM gene, results from a G to C substitution at nucleotide position 9058. The valine at codon 3020 is replaced by leucine, an amino acid with highly similar properties. This amino acid position is conserved. In addition, this alteration is predicted to be tolerated by in silico analysis. Based on the available evidence, the clinical significance of this variant remains unclear.

Blueprint Genetics
Classification: Uncertain significance. Last evaluated: 2023-03-28. Review status: criteria provided, single submitter. Criteria: ACMG Guidelines, 2015. Collection method: clinical testing. Allele origin: germline.

NM_000051.4(ATM):c.9058G>C (p.Val3020Leu)

Genes: ATM (ATM serine/threonine kinase; plus strand), C11orf65 (chromosome 11 open reading frame 65; minus strand). Cytogenetic location: 11q22.3.
Variant type: single nucleotide variant.
Coding change: c.9058G>C on transcript NM_000051.4 (MANE Select); coding-DNA position 9058, G replaced by C.
Protein change: p.Val3020Leu; replaces valine 3020 with leucine.
Molecular consequence: missense variant. On other transcripts: intron variant (2).
Genome position (GRCh38, 1-based): chr11:108,365,395, G>C. VCF-style: chr11-108365395-G-C. GRCh37 (hg19) VCF-style: chr11-108236122-G-C.
Other names: c.9058G>C, p.Val3020Leu (NM_001351834.2); c.640+20525C>G (NM_001330368.2); c.694+20525C>G (NM_001351110.2); short protein forms V3020L.
Identifiers: ClinVar variation 3451915 (VCV003451915.2).